The following is an entry in ClinVar:

NM_005548.3(KARS1):c.-10C>T

Genes: KARS1 (lysyl-tRNA synthetase 1; minus strand), LOC130059450 (ATAC-STARR-seq lymphoblastoid active region 11144; plus strand). Cytogenetic location: 16q23.1.
Variant type: single nucleotide variant.
Coding change: c.-10C>T on transcript NM_005548.3 (MANE Select); 10 bases upstream of the start codon, C replaced by T.
Molecular consequence: 5 prime UTR variant.
Genome position (GRCh38, 1-based): chr16:75,647,649, G>A on the plus strand (C>T on the coding strand, the complement: KARS1 is on the minus strand). VCF-style: chr16-75647649-G-A. GRCh37 (hg19) VCF-style: chr16-75681547-G-A.
Other names: c.-106C>T (NM_001130089.2); c.-592C>T (NM_001378148.1).
Identifiers: ClinVar variation 3036028 (VCV003036028.2), dbSNP rs367954239, ClinGen allele CA8177871.

ClinVar aggregate classification (germline): Likely benign (0 of 4 stars; one submission).

Conditions:
KARS1-related disorder. Also called: KARS1-related disorders.

Allele frequency attached by ClinVar (database versions not stated): ExAC 0.00003; gnomAD 0.00007; TOPMed 0.00008; ESP Exome Variant Server 0.00015.
gnomAD v4.1: 66 of 1,613,684 alleles (0.0041%); highest among the groups gnomAD compares: African/African-American, 0.011%; no homozygotes.

Submission:

PreventionGenetics, part of Exact Sciences
Classification: Likely benign for KARS1-related condition. Last evaluated: 2020-10-02. Review status: no assertion criteria provided. Collection method: clinical testing. Allele origin: germline.
Comment: This variant is classified as likely benign based on ACMG/AMP sequence variant interpretation guidelines (Richards et al. 2015 PMID: 25741868, with internal and published modifications).